The following is an entry in ClinVar:

NM_001024630.4(RUNX2):c.274_280del (p.Arg92fs)

Gene: RUNX2 (RUNX family transcription factor 2; plus strand). Cytogenetic location: 6p21.1.
Variant type: Deletion.
Coding change: c.274_280del on transcript NM_001024630.4 (MANE Select); coding-DNA positions 274 to 280, 7 bases deleted (CGGTTGC; older notation c.274_280delCGGTTGC).
Protein change: p.Arg92fs; shifts the reading frame from arginine 92.
Molecular consequence: frameshift variant.
Genome position (GRCh38, 1-based): chr6:45,422,808-45,422,814, CGGTTGC deleted; deleting any 7 consecutive bases within chr6:45,422,807-45,422,814 gives the same sequence; the c. name uses the placement nearest the transcript's 3' end. VCF-style (leftmost placement, unchanged base first): chr6-45422806-CCCGGTTG-C. GRCh37 (hg19) VCF-style: chr6-45390543-CCCGGTTG-C.
Other names: c.274_280del, p.Arg92fs (NM_001015051.4); c.232_238del, p.Arg78fs (NM_001278478.2, NM_001369405.1); short protein forms R78fs, R92fs.
Identifiers: ClinVar variation 3362238 (VCV003362238.1).
Genomic context (GRCh38, chr6:45,422,806, plus strand): 5'-AGGAGGCGGCGGCGGCGGCTGCGGCGGCGGCGGCGGCTGCGGCGGCGGCAGCTGCAGTGC[CCCGGTTG>C]CGGCCGCCCCACGACAACCGCACCATGGTGGAGATCATCGCCGACCACCCGGCCGAACTC-3'

ClinVar aggregate classification (germline): Pathogenic (1 of 4 stars; one submission).

Conditions:
Cleidocranial dysostosis (CLCD1). Also called: Marie-Sainton disease; cleidocranial dysplasia 1; Cleidocranial Dysplasia Spectrum Disorder. Identifiers: Orphanet 1452, MedGen C0008928, MONDO:0007340, OMIM 119600.

Submission:

Institute of Human Genetics, FAU Erlangen, Friedrich-Alexander-Universität Erlangen-Nürnberg
Classification: Pathogenic for Cleidocranial dysostosis. Last evaluated: 2024-10-10. Review status: criteria provided, single submitter. Criteria: Hauer et al. (Genet Med. 2018). Collection method: clinical testing. Allele origin: germline. Inheritance: Autosomal dominant inheritance. Affected: yes. Observed: 2 variant alleles.
Comment: This variant has been identified by standard clinical testing. Selected ACMG criteria: Pathogenic (I):PP4;PM2;PVS1